The following is an entry in ClinVar:

ClinVar aggregate classification (germline): Uncertain significance (1 of 4 stars; one submission).

Submission:

GeneDx
Classification: Uncertain significance. Last evaluated: 2022-06-09. Review status: criteria provided, single submitter. Criteria: GeneDx Variant Classification Process June 2021. Collection method: clinical testing. Allele origin: germline. Affected: yes.
Comment: Not observed at significant frequency in large population cohorts (gnomAD); In silico analysis supports that this missense variant has a deleterious effect on protein structure/function; Has not been previously published as pathogenic or benign to our knowledge; Variants in candidate genes are classified as variants of uncertain significance in accordance with ACMG guidelines (Richards et al., 2015)

NM_002805.6(PSMC5):c.1000C>T (p.Arg334Trp)

Gene: PSMC5 (proteasome 26S subunit, ATPase 5; plus strand). Cytogenetic location: 17q23.3.
Variant type: single nucleotide variant.
Coding change: c.1000C>T on transcript NM_002805.6 (MANE Select); coding-DNA position 1000, C replaced by T.
Protein change: p.Arg334Trp; replaces arginine 334 with tryptophan.
Molecular consequence: missense variant.
Genome position (GRCh38, 1-based): chr17:63,831,536, C>T. VCF-style: chr17-63831536-C-T. GRCh37 (hg19) VCF-style: chr17-61908896-C-T.
Other names: c.976C>T, p.Arg326Trp (NM_001199163.2); short protein forms R326W, R334W.
Identifiers: ClinVar variation 3602974 (VCV003602974.1).